The following is an entry in ClinVar:

NM_000038.6(APC):c.613G>A (p.Gly205Ser)

Gene: APC (APC regulator of Wnt signaling pathway; plus strand). Cytogenetic location: 5q22.2.
Variant type: single nucleotide variant.
Coding change: c.613G>A on transcript NM_000038.6 (MANE Select); coding-DNA position 613, G replaced by A.
Protein change: p.Gly205Ser; replaces glycine 205 with serine.
Molecular consequence: missense variant. On other transcripts: 5 prime UTR variant (4), non-coding transcript variant (2).
Genome position (GRCh38, 1-based): chr5:112,780,871, G>A. VCF-style: chr5-112780871-G-A. GRCh37 (hg19) VCF-style: chr5-112116568-G-A.
Other names: c.-423G>A (NM_001407472.1, NM_001354906.2, NM_001407470.1 and 1 more transcripts); c.613G>A, p.Gly205Ser (NM_001127510.3, NM_001354895.2, NM_001354896.2 and 16 more transcripts); c.643G>A, p.Gly215Ser (NM_001127511.3, NM_001354897.2, NM_001354902.2 and 1 more transcripts); c.538G>A, p.Gly180Ser (NM_001354898.2, NM_001354904.2, NM_001407451.1); c.436G>A, p.Gly146Ser (NM_001354900.2, NM_001354901.2, NM_001354905.2 and 1 more transcripts); short protein forms G180S, G205S, G146S, G215S.
Identifiers: ClinVar variation 4827298 (VCV004827298.1).

ClinVar aggregate classification (germline): Uncertain significance (1 of 4 stars; one submission).

Conditions:
Hereditary cancer-predisposing syndrome. Also called: Neoplastic Syndromes, Hereditary; Tumor predisposition; Hereditary Cancer Syndrome; Hereditary neoplastic syndrome. Identifiers: Orphanet 140162, MedGen C0027672, MeSH D009386, MONDO:0015356.

Submission:

Ambry Genetics
Classification: Uncertain significance for Hereditary cancer-predisposing syndrome. Last evaluated: 2026-03-03. Review status: criteria provided, single submitter. Criteria: Ambry Variant Classification Scheme 2023. Collection method: clinical testing. Allele origin: germline.
Comment: The p.G205S variant (also known as c.613G>A), located in coding exon 5 of the APC gene, results from a G to A substitution at nucleotide position 613. The glycine at codon 205 is replaced by serine, an amino acid with similar properties. This amino acid position is conserved. In addition, in silico predictors for this gene do not accurately predict pathogenicity. Based on the available evidence, the clinical significance of this variant remains unclear.